The following is an entry in ClinVar:

NM_000179.3(MSH6):c.302A>G (p.Glu101Gly)

Gene: MSH6 (mutS homolog 6; plus strand). Cytogenetic location: 2p16.3.
Variant type: single nucleotide variant.
Coding change: c.302A>G on transcript NM_000179.3 (MANE Select); coding-DNA position 302, A replaced by G.
Protein change: p.Glu101Gly; replaces glutamic acid 101 with glycine.
Molecular consequence: missense variant. On other transcripts: 5 prime UTR variant (8), non-coding transcript variant (5), intron variant (5).
Genome position (GRCh38, 1-based): chr2:47,790,968, A>G. VCF-style: chr2-47790968-A-G. GRCh37 (hg19) VCF-style: chr2-48018107-A-G.
Other names: c.-435A>G (NM_001281493.2, NM_001406811.1, NM_001406823.1 and 1 more transcripts); c.-601A>G (NM_001281494.2); c.398A>G, p.Glu133Gly (NM_001406795.1, NM_001406802.1); c.302A>G, p.Glu101Gly (NM_001406796.1, NM_001406798.1, NM_001406800.1 and 6 more transcripts); c.5A>G, p.Glu2Gly (NM_001406797.1, NM_001406801.1, NM_001406805.1 and 10 more transcripts); c.224A>G, p.Glu75Gly (NM_001406804.1); c.-627A>G (NM_001406807.1); c.-282A>G (NM_001406812.1); and 6 more; short protein forms E2G, E45G, E75G, E101G, E133G.
Identifiers: ClinVar variation 3296373 (VCV003296373.2).

ClinVar aggregate classification (germline): Uncertain significance. Review status: criteria provided, multiple submitters, no conflicts (2 of 4 stars). 2 submissions from 2 submitters: Uncertain significance (2). Last evaluated 2024-04-09.

Conditions:
Hereditary cancer-predisposing syndrome. Also called: Tumor predisposition; Hereditary Cancer Syndrome; Hereditary neoplastic syndrome; Neoplastic Syndromes, Hereditary. Identifiers: Orphanet 140162, MedGen C0027672, MeSH D009386, MONDO:0015356.

gnomAD v4.1: 2 of 1,614,208 alleles (0.00012%); highest among the groups gnomAD compares: Non-Finnish European, 0.00017%; no homozygotes.

Submissions (2):

Ambry Genetics
Classification: Uncertain significance for Hereditary cancer-predisposing syndrome. Last evaluated: 2024-04-09. Review status: criteria provided, single submitter. Criteria: Ambry Variant Classification Scheme 2023. Collection method: clinical testing. Allele origin: germline.
Comment: The p.E101G variant (also known as c.302A>G), located in coding exon 2 of the MSH6 gene, results from an A to G substitution at nucleotide position 302. The glutamic acid at codon 101 is replaced by glycine, an amino acid with similar properties. This amino acid position is conserved. In addition, the in silico prediction for this alteration is inconclusive. Based on the available evidence, the clinical significance of this variant remains unclear.

GeneDx
Classification: Uncertain significance. Last evaluated: 2024-01-26. Review status: criteria provided, single submitter. Criteria: GeneDx Variant Classification Process June 2021. Collection method: clinical testing. Allele origin: germline. Affected: yes.
Comment: Not observed at significant frequency in large population cohorts (gnomAD); In silico analysis supports that this missense variant has a deleterious effect on protein structure/function; Has not been previously published as pathogenic or benign to our knowledge